The following is an entry in ClinVar:

NM_153006.3(NAGS):c.504C>T (p.Asp168=)

Gene: NAGS (N-acetylglutamate synthase; plus strand). Cytogenetic location: 17q21.31.
Variant type: single nucleotide variant.
Coding change: c.504C>T on transcript NM_153006.3 (MANE Select); coding-DNA position 504, C replaced by T.
Protein change: p.Asp168=; no amino-acid change (aspartic acid 168 retained).
Molecular consequence: synonymous variant.
Genome position (GRCh38, 1-based): chr17:44,005,714, C>T. VCF-style: chr17-44005714-C-T. GRCh37 (hg19) VCF-style: chr17-42083082-C-T.
Identifiers: ClinVar variation 3353089 (VCV003353089.1).

ClinVar aggregate classification (germline): Likely benign (0 of 4 stars; one submission).

Conditions:
NAGS-related disorder. Also called: NAGS-related condition.

gnomAD v4.1: 331 of 1,598,272 alleles (0.021%); highest among the groups gnomAD compares: East Asian, 0.75%; 4 homozygotes.

Submission:

PreventionGenetics, part of Exact Sciences
Classification: Likely benign for NAGS-related condition. Last evaluated: 2024-08-06. Review status: no assertion criteria provided. Collection method: clinical testing. Allele origin: germline.
Comment: This variant is classified as likely benign based on ACMG/AMP sequence variant interpretation guidelines (Richards et al. 2015 PMID: 25741868, with internal and published modifications).